The following is an entry in ClinVar:

ClinVar aggregate classification (germline): Uncertain significance. Review status: criteria provided, multiple submitters, no conflicts (2 of 4 stars). 2 submissions from 2 submitters: Uncertain significance (2). Last evaluated 2025-12-17.

Conditions:
Inborn genetic diseases. Identifiers: MedGen C0950123, MeSH D030342.

gnomAD v4.1: 9 of 1,614,062 alleles (0.00056%); highest among the groups gnomAD compares: Admixed American, 0.015%; no homozygotes.

Submissions (2):

Labcorp Genetics (formerly Invitae), Labcorp
Classification: Uncertain significance. Last evaluated: 2025-12-17. Review status: criteria provided, single submitter. Criteria: Invitae Variant Classification Sherloc (09022015). Collection method: clinical testing. Allele origin: germline.
Comment: This sequence change replaces asparagine, which is neutral and polar, with serine, which is neutral and polar, at codon 97 of the USP53 protein (p.Asn97Ser). This variant is present in population databases (rs769197548, gnomAD 0.02%). This variant has not been reported in the literature in individuals affected with USP53-related conditions. ClinVar contains an entry for this variant (Variation ID: 3467238). Invitae Evidence Modeling of protein sequence and biophysical properties (such as structural, functional, and spatial information, amino acid conservation, physicochemical variation, residue mobility, and thermodynamic stability) indicates that this missense variant is not expected to disrupt USP53 protein function with a negative predictive value of 80%. In summary, the available evidence is currently insufficient to determine the role of this variant in disease. Therefore, it has been classified as a Variant of Uncertain Significance.

Ambry Genetics
Classification: Uncertain significance for Inborn genetic diseases. Last evaluated: 2024-12-04. Review status: criteria provided, single submitter. Criteria: Ambry Variant Classification Scheme 2023. Collection method: clinical testing. Allele origin: germline.

NM_001371395.1(USP53):c.290A>G (p.Asn97Ser)

Gene: USP53 (ubiquitin specific peptidase 53; plus strand). Cytogenetic location: 4q26.
Variant type: single nucleotide variant.
Coding change: c.290A>G on transcript NM_001371395.1 (MANE Select); coding-DNA position 290, A replaced by G.
Protein change: p.Asn97Ser; replaces asparagine 97 with serine.
Molecular consequence: missense variant. On other transcripts: 5 prime UTR variant (6).
Genome position (GRCh38, 1-based): chr4:119,248,800, A>G. VCF-style: chr4-119248800-A-G. GRCh37 (hg19) VCF-style: chr4-120169955-A-G.
Other names: c.290A>G, p.Asn97Ser (NM_001371396.1, NM_001371397.1, NM_001371398.1 and 6 more transcripts); c.-59A>G (NM_001389662.1, NM_001389663.1, NM_001389664.1 and 3 more transcripts); short protein forms N97S.
Identifiers: ClinVar variation 3467238 (VCV003467238.2).